The following is an entry in ClinVar:

ClinVar aggregate classification (germline): Pathogenic (1 of 4 stars; one submission).

Conditions:
Developmental delay with variable intellectual impairment and behavioral abnormalities. Identifiers: MedGen C5193092, MONDO:0032745, OMIM 618430.

Submission:

Genetics Laboratory, UDIAT-Centre Diagnòstic, Hospital Universitari Parc Tauli
Classification: Pathogenic for developmental delay with variable intellectual impairment and behavioral abnormalities. Last evaluated: 2023-11-28. Review status: criteria provided, single submitter. Criteria: ACMG Guidelines, 2015. Collection method: clinical testing. Allele origin: unknown. Inheritance: Autosomal dominant inheritance. Affected: yes.
Comment: PVS1_very strong;PM2_supporting;PM6_moderate

NM_001378418.1(TCF20):c.4337del (p.Lys1446fs)

Gene: TCF20 (transcription factor 20; minus strand). Cytogenetic location: 22q13.2.
Variant type: Deletion.
Coding change: c.4337del on transcript NM_001378418.1 (MANE Select); coding-DNA position 4337, one base deleted (A; older notation c.4337delA).
Protein change: p.Lys1446fs; shifts the reading frame from lysine 1446.
Molecular consequence: frameshift variant.
Genome position (GRCh38, 1-based): chr22:42,210,969, T deleted on the plus strand (A on the coding strand, the reverse complement: TCF20 is on the minus strand); the first of 2 consecutive T bases (chr22:42,210,969-42,210,970); deleting either gives the same sequence. VCF-style (leftmost placement, unchanged base first): chr22-42210968-CT-C. GRCh37 (hg19) VCF-style: chr22-42606974-CT-C.
Other names: c.4337del, p.Lys1446fs (NM_005650.4, NM_181492.3); short protein forms K1446fs.
Identifiers: ClinVar variation 3897630 (VCV003897630.1).
Genomic context (GRCh38, chr22:42,210,968, plus strand): 5'-GGATGTCATGGCACCAGGGGGTTCCTTTCCGGCAGTAACTGTTTCTGCATGTGTCTCTGT[CT>C]TCACTTTGTCATCCACGCTGCCACGCCACTCTTCTGAAGACCTTGGAAGAGGTTTCTCTA-3'